The following is an entry in ClinVar:

NM_024301.5(FKRP):c.7C>G (p.Leu3Val)

Gene: FKRP (fukutin related protein; plus strand). Cytogenetic location: 19q13.32.
Variant type: single nucleotide variant.
Coding change: c.7C>G on transcript NM_024301.5 (MANE Select); coding-DNA position 7, C replaced by G.
Protein change: p.Leu3Val; replaces leucine 3 with valine.
Molecular consequence: missense variant.
Genome position (GRCh38, 1-based): chr19:46,755,457, C>G. VCF-style: chr19-46755457-C-G. GRCh37 (hg19) VCF-style: chr19-47258714-C-G.
Other names: c.7C>G, p.Leu3Val (NM_001039885.3); short protein forms L3V.
Identifiers: ClinVar variation 3850537 (VCV003850537.1).
Genomic context (GRCh38, chr19:46,755,457, plus strand): 5'-GTCCCCCTCCCCCAGGATGCCCCGGAGGCCCAGCTAGCCCCAGACTTCGGCCCCATGCGG[C>G]TCACCCGCTGCCAGGCTGCCCTGGCGGCCGCCATCACCCTCAACCTTCTGGTCCTCTTCT-3'
Protein context (NP_077277.1, residues 1-13): MR[Leu3Val]TRCQAALAAA

ClinVar aggregate classification (germline): Uncertain significance (1 of 4 stars; one submission).

Conditions:
Cardiovascular phenotype. Identifiers: MedGen CN230736.

gnomAD v4.1: 5 of 1,606,064 alleles (0.00031%); highest among the groups gnomAD compares: Non-Finnish European, 0.00034%; no homozygotes.

Submission:

Ambry Genetics
Classification: Uncertain significance for Cardiovascular phenotype. Last evaluated: 2025-02-01. Review status: criteria provided, single submitter. Criteria: Ambry Variant Classification Scheme 2023. Collection method: clinical testing. Allele origin: germline.
Comment: The p.L3V variant (also known as c.7C>G), located in coding exon 1 of the FKRP gene, results from a C to G substitution at nucleotide position 7. The leucine at codon 3 is replaced by valine, an amino acid with highly similar properties. This amino acid position is conserved. In addition, the in silico prediction for this alteration is inconclusive. Based on the available evidence, the clinical significance of this variant remains unclear.